The following is an entry in ClinVar:

ClinVar aggregate classification (germline): Likely benign (1 of 4 stars; one submission).

Conditions:
BBS12-related disorder. Also called: BBS12-related condition.

Submission:

PreventionGenetics, part of Exact Sciences
Classification: Likely benign for BBS12-related condition. Last evaluated: 2025-01-29. Review status: criteria provided, single submitter. Criteria: ACMG Guidelines, 2015. Collection method: clinical testing. Allele origin: germline.
Comment: This variant is classified as likely benign based on ACMG/AMP sequence variant interpretation guidelines (Richards et al. 2015 PMID: 25741868, with internal and published modifications).

NM_152618.3(BBS12):c.1692C>G (p.Ala564=)

Gene: BBS12 (Bardet-Biedl syndrome 12; plus strand). Cytogenetic location: 4q27.
Variant type: single nucleotide variant.
Coding change: c.1692C>G on transcript NM_152618.3 (MANE Select); coding-DNA position 1692, C replaced by G.
Protein change: p.Ala564=; no amino-acid change (alanine 564 retained).
Molecular consequence: synonymous variant.
Genome position (GRCh38, 1-based): chr4:122,743,584, C>G. VCF-style: chr4-122743584-C-G. GRCh37 (hg19) VCF-style: chr4-123664739-C-G.
Other names: c.1692C>G, p.Ala564= (NM_001178007.2).
Identifiers: ClinVar variation 4997483 (VCV004997483.1).
Genomic context (GRCh38, chr4:122,743,584, plus strand): 5'-TTTGTGTCTTAGCTGTCTTCATATTCTTGCAGAGCAATCTCTGAAAAAAGAAAACCATGC[C>G]TGCTCAGGGTGGCTGCATAATACTTCCTCTTGGCTGGCTTCATCTCTGGCAATATACAGA-3'
Protein context (NP_689831.2, residues 554-574): AEQSLKKENH[Ala564=]CSGWLHNTSS